The following is an entry in ClinVar:

NM_013447.4(ADGRE2):c.1785C>G (p.His595Gln)

Gene: ADGRE2 (adhesion G protein-coupled receptor E2; minus strand). Cytogenetic location: 19p13.12.
Variant type: single nucleotide variant.
Coding change: c.1785C>G on transcript NM_013447.4 (MANE Select); coding-DNA position 1785, C replaced by G.
Protein change: p.His595Gln; replaces histidine 595 with glutamine.
Molecular consequence: missense variant.
Genome position (GRCh38, 1-based): chr19:14,752,332, G>C on the plus strand (C>G on the coding strand, the complement: ADGRE2 is on the minus strand). VCF-style: chr19-14752332-G-C. GRCh37 (hg19) VCF-style: chr19-14863144-G-C.
Other names: c.1611C>G, p.His537Gln (NM_001271052.1); c.1638C>G, p.His546Gln (NM_152916.2); c.1506C>G, p.His502Gln (NM_152917.2); short protein forms H502Q, H537Q, H546Q, H595Q.
Identifiers: ClinVar variation 3622009 (VCV003622009.2).

ClinVar aggregate classification (germline): Uncertain significance (1 of 4 stars; one submission).

gnomAD v4.1: 2 of 1,613,984 alleles (0.00012%); highest among the groups gnomAD compares: Admixed American, 0.0017%; no homozygotes.

Submission:

Labcorp Genetics (formerly Invitae), Labcorp
Classification: Uncertain significance. Last evaluated: 2024-06-03. Review status: criteria provided, single submitter. Criteria: Invitae Variant Classification Sherloc (09022015). Collection method: clinical testing. Allele origin: germline.
Comment: This sequence change replaces histidine, which is basic and polar, with glutamine, which is neutral and polar, at codon 595 of the ADGRE2 protein (p.His595Gln). This variant is not present in population databases (gnomAD no frequency). This variant has not been reported in the literature in individuals affected with ADGRE2-related conditions. An algorithm developed to predict the effect of missense changes on protein structure and function (PolyPhen-2) suggests that this variant is likely to be tolerated. In summary, the available evidence is currently insufficient to determine the role of this variant in disease. Therefore, it has been classified as a Variant of Uncertain Significance.